The following is an entry in ClinVar:

ClinVar aggregate classification (germline): Uncertain significance (1 of 4 stars; one submission).

Conditions:
Inborn genetic diseases. Identifiers: MedGen C0950123, MeSH D030342.

Submission:

Ambry Genetics
Classification: Uncertain significance for Inborn genetic diseases. Last evaluated: 2025-01-21. Review status: criteria provided, single submitter. Criteria: Ambry Variant Classification Scheme 2023. Collection method: clinical testing. Allele origin: germline.
Comment: The p.P243R variant (also known as c.728C>G), located in coding exon 1 of the SH2B3 gene, results from a C to G substitution at nucleotide position 728. The proline at codon 243 is replaced by arginine, an amino acid with dissimilar properties. This amino acid position is conserved. In addition, this alteration is predicted to be tolerated by in silico analysis. Based on the available evidence, the clinical significance of this variant remains unclear.

NM_005475.3(SH2B3):c.728C>G (p.Pro243Arg)

Gene: SH2B3 (SH2B adaptor protein 3; plus strand). Cytogenetic location: 12q24.12.
Variant type: single nucleotide variant.
Coding change: c.728C>G on transcript NM_005475.3 (MANE Select); coding-DNA position 728, C replaced by G.
Protein change: p.Pro243Arg; replaces proline 243 with arginine.
Molecular consequence: missense variant.
Genome position (GRCh38, 1-based): chr12:111,418,873, C>G. VCF-style: chr12-111418873-C-G. GRCh37 (hg19) VCF-style: chr12-111856677-C-G.
Other names: short protein forms P243R.
Identifiers: ClinVar variation 3795127 (VCV003795127.1).